The following is an entry in ClinVar:

ClinVar aggregate classification (germline): Likely benign (1 of 4 stars; one submission).

gnomAD v4.1: 420 of 1,613,906 alleles (0.026%); highest among the groups gnomAD compares: Middle Eastern, 0.15%; no homozygotes.

Submission:

CeGaT Center for Human Genetics Tuebingen
Classification: Likely benign. Last evaluated: 2026-07-01. Review status: criteria provided, single submitter. Criteria: CeGaT Center For Human Genetics Tuebingen Variant Classification Criteria Version 2. Collection method: clinical testing. Allele origin: germline. Affected: yes. Observed: 1 variant allele.
Comment: SLF2: BP4, BP7

NM_018121.4(SLF2):c.849T>C (p.Tyr283=)

Gene: SLF2 (SMC5/6 complex localization factor 2; plus strand). Cytogenetic location: 10q24.31.
Variant type: single nucleotide variant.
Coding change: c.849T>C on transcript NM_018121.4 (MANE Select); coding-DNA position 849, T replaced by C.
Protein change: p.Tyr283=; no amino-acid change (tyrosine 283 retained).
Molecular consequence: synonymous variant.
Genome position (GRCh38, 1-based): chr10:100,917,234, T>C. VCF-style: chr10-100917234-T-C. GRCh37 (hg19) VCF-style: chr10-102676991-T-C.
Other names: c.849T>C, p.Tyr283= (NM_001136123.2).
Identifiers: ClinVar variation 5038511 (VCV005038511.1).
Genomic context (GRCh38, chr10:100,917,234, plus strand): 5'-CGAGAATTCTTTCTCAGAAGCAAGCAGTCTTTCCTTAAAATCTAGTATAGAAAGAAAATA[T>C]AAACCAAGGCAGGAACAAAGGAAACAGAATGACATCATACCTGGAAAAAATAATCTGTCA-3'
Protein context (NP_060591.3, residues 273-293): LSLKSSIERK[Tyr283=]KPRQEQRKQN